The following is an entry in ClinVar:

ClinVar aggregate classification (germline): Uncertain significance. Review status: criteria provided, multiple submitters, no conflicts (2 of 4 stars). 3 submissions from 3 submitters: Uncertain significance (3). Last evaluated 2025-08-13.

Conditions:
Rhabdoid tumor predisposition syndrome 2 (RTPS2). Identifiers: Orphanet 231108, Orphanet 69077, MedGen C2750074, MONDO:0013224, OMIM 613325.

Submissions (3):

Quest Diagnostics Nichols Institute San Juan Capistrano
Classification: Uncertain significance. Last evaluated: 2025-08-13. Review status: criteria provided, single submitter. Criteria: Quest Diagnostics criteria. Collection method: clinical testing. Allele origin: unknown.
Comment: The SMARCA4 c.2216C>T (p.Thr739Ile) variant has not been reported in individuals with SMARCA4-related conditions in the published literature. This variant has not been reported in large, multi-ethnic general populations (Genome Aggregation Database). Analysis of this variant using bioinformatics tools for the prediction of the effect of amino acid changes on protein structure and function yielded predictions that this variant is benign. Based on the available information, we are unable to determine the clinical significance of this variant.

Baylor Genetics
Classification: Uncertain significance for Rhabdoid tumor predisposition syndrome 2. Last evaluated: 2023-12-27. Review status: criteria provided, single submitter. Criteria: ACMG Guidelines, 2015. Collection method: clinical testing. Allele origin: unknown.

Labcorp Genetics (formerly Invitae), Labcorp
Classification: Uncertain significance for Rhabdoid tumor predisposition syndrome 2. Last evaluated: 2022-05-12. Review status: criteria provided, single submitter. Criteria: Invitae Variant Classification Sherloc (09022015). Collection method: clinical testing. Allele origin: germline.
Comment: In summary, the available evidence is currently insufficient to determine the role of this variant in disease. Therefore, it has been classified as a Variant of Uncertain Significance. This sequence change replaces threonine, which is neutral and polar, with isoleucine, which is neutral and non-polar, at codon 739 of the SMARCA4 protein (p.Thr739Ile). This variant is not present in population databases (gnomAD no frequency). This variant has not been reported in the literature in individuals affected with SMARCA4-related conditions. Algorithms developed to predict the effect of missense changes on protein structure and function are either unavailable or do not agree on the potential impact of this missense change (SIFT: "Deleterious"; PolyPhen-2: "Benign"; Align-GVGD: "Class C0").

NM_003072.5(SMARCA4):c.2216C>T (p.Thr739Ile)

Gene: SMARCA4 (SWI/SNF related BAF chromatin remodeling complex subunit ATPase 4; plus strand). Cytogenetic location: 19p13.2.
Variant type: single nucleotide variant.
Coding change: c.2216C>T on transcript NM_003072.5 (MANE Select); coding-DNA position 2216, C replaced by T.
Protein change: p.Thr739Ile; replaces threonine 739 with isoleucine.
Molecular consequence: missense variant. On other transcripts: non-coding transcript variant (1).
Genome position (GRCh38, 1-based): chr19:11,010,473, C>T. VCF-style: chr19-11010473-C-T. GRCh37 (hg19) VCF-style: chr19-11121149-C-T.
Other names: c.2216C>T, p.Thr739Ile (NM_001128844.3, NM_001128845.2, NM_001128846.2 and 6 more transcripts); c.2216C>T (NM_001128849.1); short protein forms T739I.
Identifiers: ClinVar variation 1933572 (VCV001933572.7), dbSNP rs2088718305, ClinGen allele CA404052851.